The following is an entry in ClinVar:

ClinVar aggregate classification (germline): Likely benign. Review status: criteria provided, multiple submitters, no conflicts (2 of 4 stars). 7 submissions from 7 submitters: Likely benign (6). 1 of the submissions does not count toward it. Last evaluated 2026-01-27.

Conditions:
BRIP1-related disorder. Also called: BRIP1-related condition; BRIP1-related disorders. Identifiers: MedGen CN239206.
Familial cancer of breast. Also called: BREAST CANCER, FAMILIAL; Hereditary breast cancer; hereditary breast carcinoma. Identifiers: Orphanet 227535, MedGen C0346153, MONDO:0016419, OMIM 114480. Disease mechanism: loss of function.
Fanconi anemia complementation group J. Also called: BRIP1-Related Fanconi Anemia. Identifiers: Orphanet 84, MedGen C1836860, MONDO:0012187, OMIM 609054.
Hereditary cancer-predisposing syndrome. Also called: Tumor predisposition; Hereditary neoplastic syndrome; Neoplastic Syndromes, Hereditary; Hereditary Cancer Syndrome. Identifiers: Orphanet 140162, MedGen C0027672, MeSH D009386, MONDO:0015356.

Allele frequency attached by ClinVar (database versions not stated): ExAC 0.00003; gnomAD exomes 0.00004; TOPMed 0.00004; gnomAD 0.00005.
gnomAD v4.1: 27 of 1,613,274 alleles (0.0017%); highest among the groups gnomAD compares: African/African-American, 0.012%; no homozygotes.

Submissions (7):

Labcorp Genetics (formerly Invitae), Labcorp
Classification: Likely benign for Familial cancer of breast; Fanconi anemia complementation group J. Last evaluated: 2026-01-27. Review status: criteria provided, single submitter. Criteria: Invitae Variant Classification Sherloc (09022015). Collection method: clinical testing. Allele origin: germline.

Myriad Genetics, Inc.
Classification: Likely benign for Familial cancer of breast. Last evaluated: 2024-08-30. Review status: criteria provided, single submitter. Criteria: Myriad Autosomal Dominant, Autosomal Recessive and X-Linked Classification Criteria (2023). Collection method: clinical testing. Allele origin: unknown.
Comment: This variant is considered likely benign. This variant is intronic and is not expected to impact mRNA splicing.

Department of Pathology and Laboratory Medicine, Sinai Health System
Classification: Likely benign for Familial cancer of breast. Last evaluated: 2023-09-22. Review status: criteria provided, single submitter. Criteria: ACMG Guidelines, 2015. Collection method: clinical testing. Allele origin: germline. Affected: yes.

Ambry Genetics
Classification: Likely benign for Hereditary cancer-predisposing syndrome. Last evaluated: 2019-09-23. Review status: criteria provided, single submitter. Criteria: Ambry Variant Classification Scheme 2023. Collection method: clinical testing. Allele origin: germline.

GeneDx
Classification: Likely benign. Last evaluated: 2017-08-09. Review status: criteria provided, single submitter. Criteria: GeneDx Variant Classification (06012015). Collection method: clinical testing. Allele origin: germline. Affected: yes.
Comment: This variant is considered likely benign or benign based on one or more of the following criteria: it is a conservative change, it occurs at a poorly conserved position in the protein, it is predicted to be benign by multiple in silico algorithms, and/or has population frequency not consistent with disease.

Color Diagnostics, LLC DBA Color Health
Classification: Likely benign for Hereditary cancer-predisposing syndrome. Last evaluated: 2015-06-15. Review status: criteria provided, single submitter. Criteria: ACMG Guidelines, 2015. Collection method: clinical testing. Allele origin: germline.

PreventionGenetics, part of Exact Sciences
Classification: Likely benign for BRIP1-related condition. Last evaluated: 2020-04-03. Review status: no assertion criteria provided. Collection method: clinical testing. Allele origin: germline. Not counted in ClinVar's aggregate classification.
Comment: This variant is classified as likely benign based on ACMG/AMP sequence variant interpretation guidelines (Richards et al. 2015 PMID: 25741868, with internal and published modifications).

NM_032043.3(BRIP1):c.1936-4C>T

Gene: BRIP1 (BRCA1 interacting DNA helicase 1; minus strand). Cytogenetic location: 17q23.2.
Variant type: single nucleotide variant.
Coding change: c.1936-4C>T on transcript NM_032043.3 (MANE Select); 4 bases into the intron before coding-DNA position 1936, C replaced by T.
Molecular consequence: intron variant.
Genome position (GRCh38, 1-based): chr17:61,776,566, G>A on the plus strand (C>T on the coding strand, the complement: BRIP1 is on the minus strand). VCF-style: chr17-61776566-G-A. GRCh37 (hg19) VCF-style: chr17-59853927-G-A.
Identifiers: ClinVar variation 132752 (VCV000132752.22), dbSNP rs587780552, ClinGen allele CA332088.
Genomic context (GRCh38, chr17:61,776,566, plus strand): 5'-GAAGGTAGCACAGAGATTCCGACCCTTGGGGCCTGACCCAATGGTACCAACCCAAACCTA[G>A]AATATGAATATGTCATTATTAGAGTTATGCCTGAAAAAGGCATGGAAATTAGTATTTATT-3'